The following is an entry in ClinVar:

NM_019098.5(CNGB3):c.904-2A>C

Gene: CNGB3 (cyclic nucleotide gated channel subunit beta 3; minus strand). Cytogenetic location: 8q21.3.
Variant type: single nucleotide variant.
Coding change: c.904-2A>C on transcript NM_019098.5 (MANE Select); the canonical splice acceptor site of the intron before coding-DNA position 904, A replaced by C.
Molecular consequence: splice acceptor variant.
Genome position (GRCh38, 1-based): chr8:86,647,889, T>G on the plus strand (A>C on the coding strand, the complement: CNGB3 is on the minus strand). VCF-style: chr8-86647889-T-G. GRCh37 (hg19) VCF-style: chr8-87660117-T-G.
Identifiers: ClinVar variation 1521394 (VCV001521394.6), dbSNP rs1554612159, ClinGen allele CA371448325.

ClinVar aggregate classification (germline): Likely pathogenic (1 of 4 stars; one submission).

Allele frequency attached by ClinVar (database versions not stated): gnomAD exomes below 0.00001.
gnomAD v4.1: 2 of 1,567,668 alleles (0.00013%); highest among the groups gnomAD compares: Non-Finnish European, 0.00018%; no homozygotes.

Submission:

Labcorp Genetics (formerly Invitae), Labcorp
Classification: Likely pathogenic. Last evaluated: 2021-09-03. Review status: criteria provided, single submitter. Criteria: Invitae Variant Classification Sherloc (09022015). Collection method: clinical testing. Allele origin: germline.
Comment: This sequence change affects an acceptor splice site in intron 7 of the CNGB3 gene. It is expected to disrupt RNA splicing. Variants that disrupt the donor or acceptor splice site typically lead to a loss of protein function (PMID: 16199547), and loss-of-function variants in CNGB3 are known to be pathogenic (PMID: 28795510). This variant is not present in population databases (ExAC no frequency). Disruption of this splice site has been observed in individual(s) with achromatopsia (PMID: 28795510). Algorithms developed to predict the effect of sequence changes on RNA splicing suggest that this variant may disrupt the consensus splice site. In summary, the currently available evidence indicates that the variant is pathogenic, but additional data are needed to prove that conclusively. Therefore, this variant has been classified as Likely Pathogenic.

Literature cited by the submitters: PubMed 16199547; PubMed 28795510.